The following is an entry in ClinVar:

ClinVar aggregate classification (germline): Conflicting classifications of pathogenicity. Review status: criteria provided, conflicting classifications (1 of 4 stars). 2 submissions from 2 submitters: Uncertain significance (1); Likely benign (1). Last evaluated 2025-08-12.

Conditions:
Inborn genetic diseases. Identifiers: MedGen C0950123, MeSH D030342.

Submissions (2):

Ambry Genetics
Classification: Likely benign for Inborn genetic diseases. Last evaluated: 2025-08-12. Review status: criteria provided, single submitter. Criteria: Ambry Variant Classification Scheme 2023. Collection method: clinical testing. Allele origin: germline.

GeneDx
Classification: Uncertain significance. Last evaluated: 2024-10-23. Review status: criteria provided, single submitter. Criteria: GeneDx Variant Classification Process June 2021. Collection method: clinical testing. Allele origin: germline. Affected: yes.
Comment: Not observed at significant frequency in large population cohorts (gnomAD); In silico analysis indicates that this missense variant does not alter protein structure/function; Has not been previously published as pathogenic or benign to our knowledge

NM_002693.3(POLG):c.2006T>C (p.Met669Thr)

Gene: POLG (DNA polymerase gamma, catalytic subunit; minus strand). Cytogenetic location: 15q26.1.
Variant type: single nucleotide variant.
Coding change: c.2006T>C on transcript NM_002693.3 (MANE Select); coding-DNA position 2006, T replaced by C.
Protein change: p.Met669Thr; replaces methionine 669 with threonine.
Molecular consequence: missense variant.
Genome position (GRCh38, 1-based): chr15:89,324,171, A>G on the plus strand (T>C on the coding strand, the complement: POLG is on the minus strand). VCF-style: chr15-89324171-A-G. GRCh37 (hg19) VCF-style: chr15-89867402-A-G.
Other names: c.2006T>C, p.Met669Thr (NM_001126131.2); short protein forms M669T.
Identifiers: ClinVar variation 3893469 (VCV003893469.2).